The following is an entry in ClinVar:

NM_000235.4(LIPA):c.229+6G>A

Gene: LIPA (lipase A, lysosomal acid type; minus strand). Cytogenetic location: 10q23.31.
Variant type: single nucleotide variant.
Coding change: c.229+6G>A on transcript NM_000235.4 (MANE Select); 6 bases into the intron after coding-DNA position 229, G replaced by A.
Molecular consequence: intron variant.
Genome position (GRCh38, 1-based): chr10:89,245,670, C>T on the plus strand (G>A on the coding strand, the complement: LIPA is on the minus strand). VCF-style: chr10-89245670-C-T. GRCh37 (hg19) VCF-style: chr10-91005427-C-T.
Other names: c.-120+6067G>A (NM_001288979.2); c.229+6G>A (NM_001127605.3).
Identifiers: ClinVar variation 877227 (VCV000877227.6), dbSNP rs778866130, ClinGen allele CA5593789.

ClinVar aggregate classification (germline): Uncertain significance. Review status: criteria provided, multiple submitters, no conflicts (2 of 4 stars). 2 submissions from 2 submitters: Uncertain significance (2). Last evaluated 2024-08-13.

Conditions:
Lysosomal acid lipase deficiency. Also called: Acid cholesteryl ester hydrolase deficiency, type 2. Identifiers: Orphanet 275761, MedGen C5574740, MONDO:0800449, MONDO:0010204.
Wolman disease (WOLD). Also called: Wolman disease, CESD; LYSOSOMAL ACID LIPASE DEFICIENCY, ACUTE INFANTILE; LYSOSOMAL ACID LIPASE DEFICIENCY, COMPLETE; LIPA DEFICIENCY, COMPLETE; LAL DEFICIENCY, COMPLETE; CHOLESTEROL ESTER HYDROLASE DEFICIENCY, COMPLETE. Identifiers: Orphanet 75233, MedGen C0043208, MONDO:0019148, OMIM 620151.

Allele frequency attached by ClinVar (database versions not stated): gnomAD exomes below 0.00001; ExAC 0.00001; TOPMed 0.00001; gnomAD 0.00001.
gnomAD v4.1: 6 of 1,428,534 alleles (0.00042%); highest among the groups gnomAD compares: Non-Finnish European, 0.000099%; no homozygotes.

Submissions (2):

Labcorp Genetics (formerly Invitae), Labcorp
Classification: Uncertain significance for Wolman disease. Last evaluated: 2024-08-13. Review status: criteria provided, single submitter. Criteria: Invitae Variant Classification Sherloc (09022015). Collection method: clinical testing. Allele origin: germline.
Comment: This sequence change falls in intron 3 of the LIPA gene. It does not directly change the encoded amino acid sequence of the LIPA protein. It affects a nucleotide within the consensus splice site. This variant is present in population databases (rs778866130, gnomAD 0.01%). This variant has not been reported in the literature in individuals affected with LIPA-related conditions. ClinVar contains an entry for this variant (Variation ID: 877227). Variants that disrupt the consensus splice site are a relatively common cause of aberrant splicing (PMID: 17576681, 9536098). Algorithms developed to predict the effect of sequence changes on RNA splicing suggest that this variant is not likely to affect RNA splicing. In summary, the available evidence is currently insufficient to determine the role of this variant in disease. Therefore, it has been classified as a Variant of Uncertain Significance.

Illumina Laboratory Services, Illumina
Classification: Uncertain significance for Cholesteryl ester storage disease. Last evaluated: 2018-01-12. Review status: criteria provided, single submitter. Criteria: ICSL Variant Classification Criteria 13 December 2019. Collection method: clinical testing. Allele origin: germline.

Literature cited by the submitters: PubMed 17576681 (cited by Labcorp Genetics (formerly Invitae), Labcorp); PubMed 9536098 (cited by Labcorp Genetics (formerly Invitae), Labcorp).